The following is an entry in ClinVar:

NM_015202.5(KATNIP):c.3112G>T (p.Val1038Leu)

Gene: KATNIP (katanin interacting protein; plus strand). Cytogenetic location: 16p12.1.
Variant type: single nucleotide variant.
Coding change: c.3112G>T on transcript NM_015202.5 (MANE Select); coding-DNA position 3112, G replaced by T.
Protein change: p.Val1038Leu; replaces valine 1038 with leucine.
Molecular consequence: missense variant.
Genome position (GRCh38, 1-based): chr16:27,750,072, G>T. VCF-style: chr16-27750072-G-T. GRCh37 (hg19) VCF-style: chr16-27761393-G-T.
Other names: short protein forms V1038L.
Identifiers: ClinVar variation 1905700 (VCV001905700.5), dbSNP rs369952427, ClinGen allele CA7978152.

ClinVar aggregate classification (germline): Uncertain significance (1 of 4 stars; one submission).

Allele frequency attached by ClinVar (database versions not stated): TOPMed 0.00001; gnomAD 0.00003; ExAC 0.00008; ESP Exome Variant Server 0.00008.

Submission:

Labcorp Genetics (formerly Invitae), Labcorp
Classification: Uncertain significance. Last evaluated: 2024-11-11. Review status: criteria provided, single submitter. Criteria: Invitae Variant Classification Sherloc (09022015). Collection method: clinical testing. Allele origin: germline.
Comment: This sequence change replaces valine, which is neutral and non-polar, with leucine, which is neutral and non-polar, at codon 1038 of the KIAA0556 protein (p.Val1038Leu). This variant is present in population databases (rs369952427, gnomAD 0.009%). This variant has not been reported in the literature in individuals affected with KIAA0556-related conditions. ClinVar contains an entry for this variant (Variation ID: 1905700). An algorithm developed to predict the effect of missense changes on protein structure and function (PolyPhen-2) suggests that this variant is likely to be disruptive. In summary, the available evidence is currently insufficient to determine the role of this variant in disease. Therefore, it has been classified as a Variant of Uncertain Significance.